The following is an entry in ClinVar:

ClinVar aggregate classification (germline): Likely pathogenic (1 of 4 stars; one submission).

Conditions:
Angelman syndrome (AS). Also called: HAPPY PUPPET SYNDROME. Identifiers: Orphanet 72, MedGen C0162635, MONDO:0007113, OMIM 105830. Disease mechanism: loss of function. Inheritance: AS is caused by disruption of maternally imprinted UBE3A located within the 15q11.2-q13 Angelman syndrome/Prader-Willi syndrome (AS/PWS) region., imprinting disorder.

Submission:

Diagnostics Services (NGS), CSIR - Centre For Cellular And Molecular Biology
Classification: Likely pathogenic for Angelman syndrome. Last evaluated: 2023-10-06. Review status: criteria provided, single submitter. Criteria: ACMG Guidelines, 2015. Collection method: clinical testing. Allele origin: unknown. Affected: yes. Observed: 1 variant allele, 1 heterozygote.
Comment: The c.2308del variant is not present in publicly available population databases like 1000 Genomes, EVS, ExAC, gnomAD, Indian Exome Database or our in-house exome database. This variant has neither been published in literature nor reported to the clinical databases like Human Genome Mutation Database (HGMD), ClinVar or OMIM in any affected individuals. In-silico pathogenicity programs like MutationTaster2, CADD, Varsome, Franklin etc predicted this variant to be likely deleterious. This variant causes frameshift at the 770th amino acid position of the wild-type transcript which creates a premature translational stop signal in the altered transcript that may either result in translation of a truncated protein or cause nonsense mediated decay of the mRNA.

NM_130839.5(UBE3A):c.2308del (p.Thr770fs)

Genes: SNHG14 (small nucleolar RNA host gene 14; plus strand), UBE3A (ubiquitin protein ligase E3A; minus strand). Cytogenetic location: 15q11.2.
Variant type: Deletion.
Coding change: c.2308del on transcript NM_130839.5 (MANE Select); coding-DNA position 2308, one base deleted (A; older notation c.2308delA).
Protein change: p.Thr770fs; shifts the reading frame from threonine 770.
Molecular consequence: frameshift variant. On other transcripts: non-coding transcript variant (1).
Genome position (GRCh38, 1-based): chr15:25,354,399, T deleted on the plus strand (A on the coding strand, the reverse complement: UBE3A is on the minus strand); the first of 3 consecutive T bases (chr15:25,354,399-25,354,401); deleting any one gives the same sequence. VCF-style (leftmost placement, unchanged base first): chr15-25354398-GT-G. GRCh37 (hg19) VCF-style: chr15-25599545-GT-G.
Other names: c.2317del, p.Thr773fs (NM_000462.5); c.2308del, p.Thr770fs (NM_001354505.1, NM_001354538.2); c.2248del, p.Thr750fs (NM_001354506.2, NM_001354507.2, NM_001354508.2 and 14 more transcripts); c.2152del, p.Thr718fs (NM_001354545.2); c.2131del, p.Thr711fs (NM_001354546.2); c.2092del, p.Thr698fs (NM_001354547.2, NM_001354548.2); c.2083del, p.Thr695fs (NM_001354549.2); c.1057del, p.Thr353fs (NM_001354550.2); and 1 more; short protein forms T333fs, T353fs, T695fs, T698fs, T711fs, T718fs, T750fs, T770fs.
Identifiers: ClinVar variation 2583172 (VCV002583172.1), dbSNP rs2552186527, ClinGen allele CA2582341778.